The following is an entry in ClinVar:

ClinVar aggregate classification (germline): Benign (1 of 4 stars; one submission).

Allele frequency attached by ClinVar (database versions not stated): 1000 Genomes Project 0.00020; 1000 Genomes Project 30x 0.00047; TOPMed 0.00111; ESP Exome Variant Server 0.00154; gnomAD 0.00156; ExAC 0.00205.
gnomAD v4.1: 2,406 of 1,451,814 alleles (0.17%); highest among the groups gnomAD compares: Non-Finnish European, 0.19%; 5 homozygotes.

Submission:

CeGaT Center for Human Genetics Tuebingen
Classification: Benign. Last evaluated: 2022-03-01. Review status: criteria provided, single submitter. Criteria: CeGaT Center For Human Genetics Tuebingen Variant Classification Criteria Version 2. Collection method: clinical testing. Allele origin: germline. Affected: yes. Observed: 1 variant allele.
Comment: SMARCD1: BS1, BS2

NM_003076.5(SMARCD1):c.772-36C>T

Gene: SMARCD1 (SWI/SNF related BAF chromatin remodeling complex subunit D1; plus strand). Cytogenetic location: 12q13.12.
Variant type: single nucleotide variant.
Coding change: c.772-36C>T on transcript NM_003076.5 (MANE Select); 36 bases into the intron before coding-DNA position 772, C replaced by T.
Molecular consequence: intron variant.
Genome position (GRCh38, 1-based): chr12:50,089,848, C>T. VCF-style: chr12-50089848-C-T. GRCh37 (hg19) VCF-style: chr12-50483631-C-T.
Other names: c.772-36C>T (NM_139071.3).
Identifiers: ClinVar variation 2642978 (VCV002642978.24), dbSNP rs113742047, ClinGen allele CA6561175.
Genomic context (GRCh38, chr12:50,089,848, plus strand): 5'-TAATCAAAGTTGAATATTCAGTCATTACAGAAGCTCTTCCCTCCCACCCCAGCTCTTCCT[C>T]TGGGAGAGCACCCCCTGACATCTTCCTCTCTGTAGTGGCACAGGACCGCCACTACCCAGG-3'